The following is an entry in ClinVar:

NM_001114753.3(ENG):c.1440_1449del (p.Val483fs)

Genes: ENG (endoglin; minus strand), LOC102723566 (uncharacterized LOC102723566; plus strand). Cytogenetic location: 9q34.11.
Variant type: Deletion.
Coding change: c.1440_1449del on transcript NM_001114753.3 (MANE Select); coding-DNA positions 1440 to 1449, 10 bases deleted (CCCATCCGTC; older notation c.1440_1449delCCCATCCGTC).
Protein change: p.Val483fs; shifts the reading frame from valine 483.
Molecular consequence: frameshift variant. On other transcripts: non-coding transcript variant (1).
Genome position (GRCh38, 1-based): chr9:127,818,357-127,818,366, GACGGATGGG deleted on the plus strand (CCCATCCGTC on the coding strand, the reverse complement: ENG is on the minus strand); deleting any 10 consecutive bases within chr9:127,818,357-127,818,369 gives the same sequence; the c. name uses the placement nearest the transcript's 3' end. VCF-style (leftmost placement, unchanged base first): chr9-127818356-AGACGGATGGG-A. GRCh37 (hg19) VCF-style: chr9-130580635-AGACGGATGGG-A.
Other names: c.1437_1446delGTCCCCATCC, p.Val483Serfs (NM_000118.4); c.894_903del, p.Val301fs (NM_001278138.2); short protein forms V301fs, V483fs.
Identifiers: ClinVar variation 1772688 (VCV001772688.2), dbSNP rs2539059906, ClinGen allele CA2580079668.

ClinVar aggregate classification (germline): Pathogenic (1 of 4 stars; one submission).

Conditions:
Cardiovascular phenotype. Identifiers: MedGen CN230736.

Submission:

Ambry Genetics
Classification: Pathogenic for Cardiovascular phenotype. Last evaluated: 2016-09-29. Review status: criteria provided, single submitter. Criteria: Ambry Variant Classification Scheme 2023. Collection method: clinical testing. Allele origin: germline.
Comment: The c.1440_1449del pathogenic mutation, located in coding exon 12 of the ENG gene, results from a deletion of 10 nucleotides at nucleotide positions 1440 to 1449, causing a translational frameshift with a predicted alternate stop codon (p.V483Sfs*5). This alteration is expected to result in loss of function by premature protein truncation or nonsense-mediated mRNA decay. As such, this alteration is interpreted as a disease-causing mutation.